The following is an entry in ClinVar:

ClinVar aggregate classification (germline): Uncertain significance (1 of 4 stars; one submission).

Conditions:
Fanconi anemia complementation group E (FANCE). Also called: FANCE-Related Fanconi Anemia. Identifiers: Orphanet 84, MedGen C3160739, MONDO:0010953, OMIM 600901.

Submission:

Labcorp Genetics (formerly Invitae), Labcorp
Classification: Uncertain significance for Fanconi anemia complementation group E. Last evaluated: 2025-04-21. Review status: criteria provided, single submitter. Criteria: Invitae Variant Classification Sherloc (09022015). Collection method: clinical testing. Allele origin: germline.
Comment: This sequence change replaces alanine, which is neutral and non-polar, with glutamic acid, which is acidic and polar, at codon 20 of the FANCE protein (p.Ala20Glu). This variant is present in population databases (no rsID available, gnomAD 0.009%). This variant has not been reported in the literature in individuals affected with FANCE-related conditions. ClinVar contains an entry for this variant (Variation ID: 2964765). An algorithm developed to predict the effect of missense changes on protein structure and function outputs the following: PolyPhen-2: "Benign". The glutamic acid amino acid residue is found in multiple mammalian species, which suggests that this missense change does not adversely affect protein function. In summary, the available evidence is currently insufficient to determine the role of this variant in disease. Therefore, it has been classified as a Variant of Uncertain Significance.

NM_021922.3(FANCE):c.59C>A (p.Ala20Glu)

Genes: FANCE (FA complementation group E; plus strand), LOC129996245 (ATAC-STARR-seq lymphoblastoid silent region 17092; plus strand). Cytogenetic location: 6p21.31.
Variant type: single nucleotide variant.
Coding change: c.59C>A on transcript NM_021922.3 (MANE Select); coding-DNA position 59, C replaced by A.
Protein change: p.Ala20Glu; replaces alanine 20 with glutamic acid.
Molecular consequence: missense variant.
Genome position (GRCh38, 1-based): chr6:35,452,604, C>A. VCF-style: chr6-35452604-C-A. GRCh37 (hg19) VCF-style: chr6-35420381-C-A.
Other names: c.59C>A, p.Ala20Glu (NM_001410876.1); short protein forms A20E.
Identifiers: ClinVar variation 2964765 (VCV002964765.3), dbSNP rs927154227, ClinGen allele CA363769939.